The following is an entry in ClinVar:

NM_002582.4(PARN):c.1635_1643del (p.Tyr546_Leu548del)

Gene: PARN (poly(A)-specific ribonuclease; minus strand). Cytogenetic location: 16p13.12.
Variant type: Deletion.
Coding change: c.1635_1643del on transcript NM_002582.4 (MANE Select); coding-DNA positions 1635 to 1643, 9 bases deleted (CTACACCCT; older notation c.1635_1643delCTACACCCT).
Protein change: p.Tyr546_Leu548del.
Molecular consequence: inframe deletion.
Genome position (GRCh38, 1-based): chr16:14,482,665-14,482,673, AGGGTGTAG deleted on the plus strand (CTACACCCT on the coding strand, the reverse complement: PARN is on the minus strand). VCF-style (leftmost placement, unchanged base first): chr16-14482664-CAGGGTGTAG-C. GRCh37 (hg19) VCF-style: chr16-14576521-CAGGGTGTAG-C.
Other names: c.1452_1460del, p.Tyr485_Leu487del (NM_001134477.3); c.1497_1505del, p.Tyr500_Leu502del (NM_001242992.2).
Identifiers: ClinVar variation 1470799 (VCV001470799.6), dbSNP rs2151597160, ClinGen allele CA2573151872.
Genomic context (GRCh38, chr16:14,482,664, plus strand): 5'-CTGGCCTTTTAAATTAACAGCTGAGAGCTCTTACCTATTGTTGCGGTAATAGTGATTCTG[CAGGGTGTAG>C]GGTATGCACTGGGGGTTTAACCGTTTGCTGTCAGCCTCCTTCCAGCTATCTTCAGTCCAC-3'

ClinVar aggregate classification (germline): Uncertain significance (1 of 4 stars; one submission).

Conditions:
Pulmonary fibrosis and/or bone marrow failure, Telomere-related, 4. Also called: PULMONARY FIBROSIS AND/OR BONE MARROW FAILURE SYNDROME, TELOMERE-RELATED, 4. Identifiers: Orphanet 2032, MedGen C4225347, MONDO:0014612, OMIM 616371.
Dyskeratosis congenita, autosomal recessive 6 (DKCB6). Identifiers: MedGen C4225356, MONDO:0014600, OMIM 616353.

Submission:

Labcorp Genetics (formerly Invitae), Labcorp
Classification: Uncertain significance for Dyskeratosis congenita, autosomal recessive 6; Pulmonary fibrosis and/or bone marrow failure, Telomere-related, 4. Last evaluated: 2021-10-12. Review status: criteria provided, single submitter. Criteria: Invitae Variant Classification Sherloc (09022015). Collection method: clinical testing. Allele origin: germline.
Comment: This variant is not present in population databases (ExAC no frequency). This variant, c.1635_1643del, results in the deletion of 3 amino acid(s) of the PARN protein (p.Tyr546_Leu548del), but otherwise preserves the integrity of the reading frame. This variant has not been reported in the literature in individuals affected with PARN-related conditions. In summary, the available evidence is currently insufficient to determine the role of this variant in disease. Therefore, it has been classified as a Variant of Uncertain Significance. Experimental studies and prediction algorithms are not available or were not evaluated, and the functional significance of this variant is currently unknown.